The following is an entry in ClinVar:

ClinVar aggregate classification (germline): Uncertain significance (1 of 4 stars; one submission).

gnomAD v4.1: 1 of 1,613,816 alleles (0.000062%); highest among the groups gnomAD compares: Non-Finnish European, 0.000085%; no homozygotes.

Submission:

Women's Health and Genetics/Laboratory Corporation of America, LabCorp
Classification: Uncertain significance. Last evaluated: 2025-03-31. Review status: criteria provided, single submitter. Criteria: LabCorp Variant Classification Summary - May 2015. Collection method: clinical testing. Allele origin: germline.
Comment: Variant summary: NR2E3 c.701G>C (p.Trp234Ser) results in a non-conservative amino acid change in the encoded protein sequence. Four of four in-silico tools predict a damaging effect of the variant on protein function. The variant was absent in 248676 control chromosomes. c.701G>C has been reported in the literature in at least one individual affected with enhanced S cone syndrome (Haider_2000). These report(s) do not provide unequivocal conclusions about association of the variant with Retinitis Pigmentosa. Several publications report experimental evidence evaluating an impact on protein function with varying consequences (vonAlpen_2015, Kanda_2009, Fradot_207, Fulton_23017, Peng_2005). The most pronounced variant effect results in ~40% of normal activity (Peng_2005). The following publications have been ascertained in the context of this evaluation (PMID: 15459973, 17438525, 28300834, 10655056, 19898638, 15689355, 25703721). No submitters have cited clinical-significance assessments for this variant to ClinVar. Based on the evidence outlined above, the variant was classified as VUS-possibly pathogenic.

Literature cited by the submitters: PubMed 10655056; PubMed 19898638; PubMed 15689355; PubMed 28300834; PubMed 17438525; PubMed 15459973; PubMed 25703721.

NM_014249.4(NR2E3):c.701G>C (p.Trp234Ser)

Gene: NR2E3 (nuclear receptor subfamily 2 group E member 3; plus strand). Cytogenetic location: 15q23.
Variant type: single nucleotide variant.
Coding change: c.701G>C on transcript NM_014249.4 (MANE Select); coding-DNA position 701, G replaced by C.
Protein change: p.Trp234Ser; replaces tryptophan 234 with serine.
Molecular consequence: missense variant.
Genome position (GRCh38, 1-based): chr15:71,812,465, G>C. VCF-style: chr15-71812465-G-C. GRCh37 (hg19) VCF-style: chr15-72104805-G-C.
Other names: c.701G>C, p.Trp234Ser (NM_016346.4); short protein forms W234S.
Identifiers: ClinVar variation 3895898 (VCV003895898.1).